The following is an entry in ClinVar:

NM_000553.6(WRN):c.1771A>C (p.Ile591Leu)

Gene: WRN (WRN RecQ like helicase; plus strand). Cytogenetic location: 8p12.
Variant type: single nucleotide variant.
Coding change: c.1771A>C on transcript NM_000553.6 (MANE Select); coding-DNA position 1771, A replaced by C.
Protein change: p.Ile591Leu; replaces isoleucine 591 with leucine.
Molecular consequence: missense variant.
Genome position (GRCh38, 1-based): chr8:31,090,884, A>C. VCF-style: chr8-31090884-A-C. GRCh37 (hg19) VCF-style: chr8-30948400-A-C.
Other names: short protein forms I591L.
Identifiers: ClinVar variation 1062817 (VCV001062817.5), dbSNP rs1813722003, ClinGen allele CA370927799.

ClinVar aggregate classification (germline): Uncertain significance (1 of 4 stars; one submission).

Conditions:
Werner syndrome (WRN). Identifiers: Orphanet 902, MedGen C0043119, MONDO:0010196, OMIM 277700.

Allele frequency attached by ClinVar (database versions not stated): gnomAD 0.00001; TOPMed 0.00002.
gnomAD v4.1: 2 of 1,612,924 alleles (0.00012%); highest among the groups gnomAD compares: African/African-American, 0.0027%; 1 homozygote.

Submission:

Labcorp Genetics (formerly Invitae), Labcorp
Classification: Uncertain significance for Werner syndrome. Last evaluated: 2023-10-05. Review status: criteria provided, single submitter. Criteria: Invitae Variant Classification Sherloc (09022015). Collection method: clinical testing. Allele origin: germline.
Comment: This sequence change replaces isoleucine, which is neutral and non-polar, with leucine, which is neutral and non-polar, at codon 591 of the WRN protein (p.Ile591Leu). This variant is not present in population databases (gnomAD no frequency). This variant has not been reported in the literature in individuals affected with WRN-related conditions. ClinVar contains an entry for this variant (Variation ID: 1062817). Algorithms developed to predict the effect of missense changes on protein structure and function output the following: SIFT: "Not Available"; PolyPhen-2: "Benign"; Align-GVGD: "Not Available". The leucine amino acid residue is found in multiple mammalian species, which suggests that this missense change does not adversely affect protein function. In summary, the available evidence is currently insufficient to determine the role of this variant in disease. Therefore, it has been classified as a Variant of Uncertain Significance.